The following is an entry in ClinVar:

ClinVar aggregate classification (germline): Uncertain significance. Review status: criteria provided, multiple submitters, no conflicts (2 of 4 stars). 2 submissions from 2 submitters: Uncertain significance (2). Last evaluated 2025-09-18.

Conditions:
Cardiovascular phenotype. Identifiers: MedGen CN230736.
Cholestanol storage disease (CTX). Also called: CEREBRAL CHOLESTERINOSIS; CTX: Cerebrotendinous xanthomatosis; Cerebrotendinous Xanthomatosis. Identifiers: Orphanet 909, MedGen C0238052, MONDO:0008948, OMIM 213700.

Allele frequency attached by ClinVar (database versions not stated): gnomAD exomes below 0.00001.
gnomAD v4.1: 3 of 1,614,198 alleles (0.00019%); highest among the groups gnomAD compares: Admixed American, 0.0017%; no homozygotes.

Submissions (2):

Ambry Genetics
Classification: Uncertain significance for Cardiovascular phenotype. Last evaluated: 2025-09-18. Review status: criteria provided, single submitter. Criteria: Ambry Variant Classification Scheme 2023. Collection method: clinical testing. Allele origin: germline.
Comment: The p.I514V variant (also known as c.1540A>G), located in coding exon 9 of the CYP27A1 gene, results from an A to G substitution at nucleotide position 1540. The isoleucine at codon 514 is replaced by valine, an amino acid with highly similar properties. This amino acid position is conserved. In addition, this alteration is predicted to be tolerated by in silico analysis. Based on the available evidence, the clinical significance of this variant remains unclear.

Labcorp Genetics (formerly Invitae), Labcorp
Classification: Uncertain significance for Cholestanol storage disease. Last evaluated: 2022-09-27. Review status: criteria provided, single submitter. Criteria: Invitae Variant Classification Sherloc (09022015). Collection method: clinical testing. Allele origin: germline.
Comment: This sequence change replaces isoleucine, which is neutral and non-polar, with valine, which is neutral and non-polar, at codon 514 of the CYP27A1 protein (p.Ile514Val). This variant is present in population databases (no rsID available, gnomAD 0.003%). This variant has not been reported in the literature in individuals affected with CYP27A1-related conditions. ClinVar contains an entry for this variant (Variation ID: 1432802). Advanced modeling of protein sequence and biophysical properties (such as structural, functional, and spatial information, amino acid conservation, physicochemical variation, residue mobility, and thermodynamic stability) performed at Invitae indicates that this missense variant is not expected to disrupt CYP27A1 protein function. In summary, the available evidence is currently insufficient to determine the role of this variant in disease. Therefore, it has been classified as a Variant of Uncertain Significance.

NM_000784.4(CYP27A1):c.1540A>G (p.Ile514Val)

Gene: CYP27A1 (cytochrome P450 family 27 subfamily A member 1; plus strand). Cytogenetic location: 2q35.
Variant type: single nucleotide variant.
Coding change: c.1540A>G on transcript NM_000784.4 (MANE Select); coding-DNA position 1540, A replaced by G.
Protein change: p.Ile514Val; replaces isoleucine 514 with valine.
Molecular consequence: missense variant.
Genome position (GRCh38, 1-based): chr2:218,814,974, A>G. VCF-style: chr2-218814974-A-G. GRCh37 (hg19) VCF-style: chr2-219679697-A-G.
Other names: c.1540A>G (NM_000784.3); short protein forms I514V.
Identifiers: ClinVar variation 1432802 (VCV001432802.6), dbSNP rs1178180058, ClinGen allele CA350596528.